The following is an entry in ClinVar:

ClinVar aggregate classification (germline): Uncertain significance (1 of 4 stars; one submission).

Conditions:
Cardiovascular phenotype. Identifiers: MedGen CN230736.

Submission:

Ambry Genetics
Classification: Uncertain significance for Cardiovascular phenotype. Last evaluated: 2025-03-31. Review status: criteria provided, single submitter. Criteria: Ambry Variant Classification Scheme 2023. Collection method: clinical testing. Allele origin: germline.
Comment: The p.M1238T variant (also known as c.3713T>C), located in coding exon 28 of the CACNA1C gene, results from a T to C substitution at nucleotide position 3713. The methionine at codon 1238 is replaced by threonine, an amino acid with similar properties. This amino acid position is highly conserved in available vertebrate species. In addition, this alteration is predicted to be deleterious by in silico analysis. Based on the available evidence, the clinical significance of this variant remains unclear.

NM_000719.7(CACNA1C):c.3713T>C (p.Met1238Thr)

Gene: CACNA1C (calcium voltage-gated channel subunit alpha1 C; plus strand). Cytogenetic location: 12p13.33.
Variant type: single nucleotide variant.
Coding change: c.3713T>C on transcript NM_000719.7 (MANE Select); coding-DNA position 3713, T replaced by C.
Protein change: p.Met1238Thr; replaces methionine 1238 with threonine.
Molecular consequence: missense variant.
Genome position (GRCh38, 1-based): chr12:2,610,695, T>C. VCF-style: chr12-2610695-T-C. GRCh37 (hg19) VCF-style: chr12-2719861-T-C.
Other names: c.3773T>C, p.Met1258Thr (NM_001129827.2, NM_001129832.2, NM_199460.4); c.3713T>C, p.Met1238Thr (NM_001129829.2, NM_001129830.3, NM_001129831.2 and 15 more transcripts); c.3704T>C, p.Met1235Thr (NM_001129844.2); short protein forms M1235T, M1258T, M1238T.
Identifiers: ClinVar variation 3994413 (VCV003994413.1).
Genomic context (GRCh38, chr12:2,610,695, plus strand): 5'-CCACCTACTTCGAGTACCTGATGTTCGTCCTCATCCTGCTCAACACCATCTGCCTGGCCA[T>C]GCAGGTCAGTCCCAGGAGGAGCACAGCCATGGTGCTGCAGAAGGGAGTGTGCCATGGGGA-3'
Protein context (NP_000710.5, residues 1228-1248): LILLNTICLA[Met1238Thr]QHYGQSCLFK